The following is an entry in ClinVar:

ClinVar aggregate classification (germline): Uncertain significance (1 of 4 stars; one submission).

Allele frequency attached by ClinVar (database versions not stated): gnomAD exomes below 0.00001.
gnomAD v4.1: 1 of 1,614,022 alleles (0.000062%); highest among the groups gnomAD compares: East Asian, 0.0022%; no homozygotes.

Submission:

Labcorp Genetics (formerly Invitae), Labcorp
Classification: Uncertain significance. Last evaluated: 2025-07-10. Review status: criteria provided, single submitter. Criteria: Invitae Variant Classification Sherloc (09022015). Collection method: clinical testing. Allele origin: germline.
Comment: This sequence change replaces leucine, which is neutral and non-polar, with phenylalanine, which is neutral and non-polar, at codon 418 of the ATIC protein (p.Leu418Phe). This variant is present in population databases (no rsID available, gnomAD 0.006%). This variant has not been reported in the literature in individuals affected with ATIC-related conditions. ClinVar contains an entry for this variant (Variation ID: 1440349). Invitae Evidence Modeling of protein sequence and biophysical properties (such as structural, functional, and spatial information, amino acid conservation, physicochemical variation, residue mobility, and thermodynamic stability) has been performed for this missense variant. However, the output from this modeling did not meet the statistical confidence thresholds required to predict the impact of this variant on ATIC protein function. In summary, the available evidence is currently insufficient to determine the role of this variant in disease. Therefore, it has been classified as a Variant of Uncertain Significance.

NM_004044.7(ATIC):c.1252C>T (p.Leu418Phe)

Gene: ATIC (5-aminoimidazole-4-carboxamide ribonucleotide formyltransferase/IMP cyclohydrolase; plus strand). Cytogenetic location: 2q35.
Variant type: single nucleotide variant.
Coding change: c.1252C>T on transcript NM_004044.7 (MANE Select); coding-DNA position 1252, C replaced by T.
Protein change: p.Leu418Phe; replaces leucine 418 with phenylalanine.
Molecular consequence: missense variant.
Genome position (GRCh38, 1-based): chr2:215,344,803, C>T. VCF-style: chr2-215344803-C-T. GRCh37 (hg19) VCF-style: chr2-216209526-C-T.
Other names: short protein forms L418F.
Identifiers: ClinVar variation 1440349 (VCV001440349.6), dbSNP rs141731879, ClinGen allele CA350457240.